The following is an entry in ClinVar:

ClinVar aggregate classification (germline): Benign. Review status: criteria provided, multiple submitters, no conflicts (2 of 4 stars). 2 submissions from 2 submitters: Benign (2). Last evaluated 2018-06-14.

Allele frequency attached by ClinVar (database versions not stated): gnomAD 0.10078 and 0.10781; gnomAD exomes 0.10892; TOPMed 0.11032; 1000 Genomes Project 30x 0.17021; 1000 Genomes Project 0.17472.
gnomAD v4.1: 134,561 of 1,232,450 alleles (11%); highest among the groups gnomAD compares: East Asian, 34%; 9,329 homozygotes.

Submissions (2):

GeneDx
Classification: Benign. Last evaluated: 2018-06-14. Review status: criteria provided, single submitter. Criteria: GeneDx Variant Classification (06012015). Collection method: clinical testing. Allele origin: germline. Affected: yes.
Comment: This variant is considered likely benign or benign based on one or more of the following criteria: it is a conservative change, it occurs at a poorly conserved position in the protein, it is predicted to be benign by multiple in silico algorithms, and/or has population frequency not consistent with disease.

Breakthrough Genomics
Classification: Benign. Review status: criteria provided, single submitter. Criteria: ACMG Guidelines, 2015. Collection method: not provided. Allele origin: germline. Inheritance: Autosomal recessive inheritance. Affected: yes.

NM_177550.5(SLC13A5):c.548-119G>A

Gene: SLC13A5 (solute carrier family 13 member 5; minus strand). Cytogenetic location: 17p13.1.
Variant type: single nucleotide variant.
Coding change: c.548-119G>A on transcript NM_177550.5 (MANE Select); 119 bases into the intron before coding-DNA position 548, G replaced by A.
Molecular consequence: intron variant.
Genome position (GRCh38, 1-based): chr17:6,703,257, C>T on the plus strand (G>A on the coding strand, the complement: SLC13A5 is on the minus strand). VCF-style: chr17-6703257-C-T. GRCh37 (hg19) VCF-style: chr17-6606576-C-T.
Other names: c.419-119G>A (NM_001284510.2); c.497-119G>A (NM_001284509.2); c.548-119G>A (NM_001143838.3).
Identifiers: ClinVar variation 672845 (VCV000672845.2), dbSNP rs16956170, ClinGen allele CA14494929.